The following is an entry in ClinVar:

NM_001127649.3(PEX26):c.59G>A (p.Arg20His)

Gene: PEX26 (peroxisomal biogenesis factor 26; plus strand). Cytogenetic location: 22q11.21.
Variant type: single nucleotide variant.
Coding change: c.59G>A on transcript NM_001127649.3 (MANE Select); coding-DNA position 59, G replaced by A.
Protein change: p.Arg20His; replaces arginine 20 with histidine.
Molecular consequence: missense variant.
Genome position (GRCh38, 1-based): chr22:18,078,435, G>A. VCF-style: chr22-18078435-G-A. GRCh37 (hg19) VCF-style: chr22-18561201-G-A.
Other names: c.59G>A, p.Arg20His (NM_001199319.2, NM_017929.6); short protein forms R20H.
Identifiers: ClinVar variation 2201265 (VCV002201265.1), dbSNP rs2517663257, ClinGen allele CA410264256.
Genomic context (GRCh38, chr22:18,078,435, plus strand): 5'-TTATGAAGAGCGATTCTTCGACCTCTGCAGCCCCCCTCAGGGGGCTCGGGGGACCCCTGC[G>A]CAGCAGCGAGCCGGTGCGCGCGGTCCCGGCCCGGGCGCCGGCCGTGGACCTTCTGGAGGA-3'
Protein context (NP_001121121.1, residues 10-30): APLRGLGGPL[Arg20His]SSEPVRAVPA

ClinVar aggregate classification (germline): Uncertain significance (1 of 4 stars; one submission).

Conditions:
Peroxisome biogenesis disorder 7A (Zellweger). Also called: Peroxisome biogenesis disorder 7A. Identifiers: Orphanet 912, MedGen C3888385, MONDO:0013938, OMIM 614872.
Peroxisome biogenesis disorder 7B (PBD7B). Identifiers: Orphanet 44, MedGen C3553951, MONDO:0013939, OMIM 614873.

Allele frequency attached by ClinVar (database versions not stated): gnomAD exomes below 0.00001.
gnomAD v4.1: 2 of 1,576,720 alleles (0.00013%); highest among the groups gnomAD compares: Middle Eastern, 0.017%; no homozygotes.

Submission:

Labcorp Genetics (formerly Invitae), Labcorp
Classification: Uncertain significance for Peroxisome biogenesis disorder 7A (Zellweger); Peroxisome biogenesis disorder 7B. Last evaluated: 2022-07-12. Review status: criteria provided, single submitter. Criteria: Invitae Variant Classification Sherloc (09022015). Collection method: clinical testing. Allele origin: germline.
Comment: This sequence change replaces arginine, which is basic and polar, with histidine, which is basic and polar, at codon 20 of the PEX26 protein (p.Arg20His). This variant is not present in population databases (gnomAD no frequency). This variant has not been reported in the literature in individuals affected with PEX26-related conditions. Algorithms developed to predict the effect of missense changes on protein structure and function are either unavailable or do not agree on the potential impact of this missense change (SIFT: "Tolerated"; PolyPhen-2: "Probably Damaging"; Align-GVGD: "Class C0"). In summary, the available evidence is currently insufficient to determine the role of this variant in disease. Therefore, it has been classified as a Variant of Uncertain Significance.